The following is an entry in ClinVar:

NM_000179.3(MSH6):c.2264A>G (p.Glu755Gly)

Gene: MSH6 (mutS homolog 6; plus strand). Cytogenetic location: 2p16.3.
Variant type: single nucleotide variant.
Coding change: c.2264A>G on transcript NM_000179.3 (MANE Select); coding-DNA position 2264, A replaced by G.
Protein change: p.Glu755Gly; replaces glutamic acid 755 with glycine.
Molecular consequence: missense variant.
Genome position (GRCh38, 1-based): chr2:47,800,247, A>G. VCF-style: chr2-47800247-A-G. GRCh37 (hg19) VCF-style: chr2-48027386-A-G.
Other names: c.2186A>G, p.Glu729Gly (NM_001406804.1); c.1967A>G, p.Glu656Gly (NM_001406805.1, NM_001406797.1, NM_001406801.1 and 10 more transcripts); c.1739A>G, p.Glu580Gly (NM_001406806.1, NM_001406807.1, NM_001406799.1); c.2264A>G, p.Glu755Gly (NM_001406808.1, NM_001406809.1, NM_001406796.1 and 3 more transcripts); c.1358A>G, p.Glu453Gly (NM_001406811.1, NM_001406812.1, NM_001406814.1 and 6 more transcripts); c.2270A>G, p.Glu757Gly (NM_001406813.1); c.1874A>G, p.Glu625Gly (NM_001281492.2); c.2360A>G, p.Glu787Gly (NM_001406795.1, NM_001406802.1); and 1 more; short protein forms E699G, E453G, E755G, E757G, E625G, E787G, E580G, E656G.
Identifiers: ClinVar variation 2022240 (VCV002022240.4), dbSNP rs1669441030, ClinGen allele CA346752782.

ClinVar aggregate classification (germline): Uncertain significance (1 of 4 stars; one submission).

Conditions:
Hereditary nonpolyposis colorectal neoplasms. Identifiers: MedGen C0009405, MeSH D003123.

Submission:

Labcorp Genetics (formerly Invitae), Labcorp
Classification: Uncertain significance for Hereditary nonpolyposis colorectal neoplasms. Last evaluated: 2023-07-12. Review status: criteria provided, single submitter. Criteria: Invitae Variant Classification Sherloc (09022015). Collection method: clinical testing. Allele origin: germline.
Comment: In summary, the available evidence is currently insufficient to determine the role of this variant in disease. Therefore, it has been classified as a Variant of Uncertain Significance. This sequence change replaces glutamic acid, which is acidic and polar, with glycine, which is neutral and non-polar, at codon 755 of the MSH6 protein (p.Glu755Gly). This variant is not present in population databases (gnomAD no frequency). This variant has not been reported in the literature in individuals affected with MSH6-related conditions. ClinVar contains an entry for this variant (Variation ID: 2022240). Advanced modeling of protein sequence and biophysical properties (such as structural, functional, and spatial information, amino acid conservation, physicochemical variation, residue mobility, and thermodynamic stability) performed at Invitae indicates that this missense variant is not expected to disrupt MSH6 protein function.